The following is an entry in ClinVar:

NM_014946.4(SPAST):c.1391A>G (p.Glu464Gly)

Gene: SPAST (spastin; plus strand). Cytogenetic location: 2p22.3.
Variant type: single nucleotide variant.
Coding change: c.1391A>G on transcript NM_014946.4 (MANE Select); coding-DNA position 1391, A replaced by G.
Protein change: p.Glu464Gly; replaces glutamic acid 464 with glycine.
Molecular consequence: missense variant.
Genome position (GRCh38, 1-based): chr2:32,136,946, A>G. VCF-style: chr2-32136946-A-G. GRCh37 (hg19) VCF-style: chr2-32362015-A-G.
Other names: c.1388A>G, p.Glu463Gly (NM_001363823.2); c.1292A>G, p.Glu431Gly (NM_001363875.2); c.1295A>G, p.Glu432Gly (NM_001377959.1, NM_199436.2); short protein forms E431G, E432G, E463G, E464G.
Identifiers: ClinVar variation 1678841 (VCV001678841.2), dbSNP rs1553318251, ClinGen allele CA346502315.

ClinVar aggregate classification (germline): Likely pathogenic (1 of 4 stars; one submission).

Submission:

GeneDx
Classification: Likely pathogenic. Last evaluated: 2022-02-23. Review status: criteria provided, single submitter. Criteria: GeneDx Variant Classification Process June 2021. Collection method: clinical testing. Allele origin: germline. Affected: yes.
Comment: Identified in a patient with hereditary spastic paraplegia in published literature, although detailed clinical information was not provided (Kadnikova et al., 2019); Not observed at significant frequency in large population cohorts (gnomAD); In silico analysis supports that this missense variant has a deleterious effect on protein structure/function; This variant is associated with the following publications: (PMID: 31594988, 26094131, 21139634)